The following is an entry in ClinVar:

NM_013450.4(BAZ2B):c.1945G>C (p.Glu649Gln)

Gene: BAZ2B (bromodomain adjacent to zinc finger domain 2B; minus strand). Cytogenetic location: 2q24.2.
Variant type: single nucleotide variant.
Coding change: c.1945G>C on transcript NM_013450.4 (MANE Select); coding-DNA position 1945, G replaced by C.
Protein change: p.Glu649Gln; replaces glutamic acid 649 with glutamine.
Molecular consequence: missense variant.
Genome position (GRCh38, 1-based): chr2:159,431,112, C>G on the plus strand (G>C on the coding strand, the complement: BAZ2B is on the minus strand). VCF-style: chr2-159431112-C-G. GRCh37 (hg19) VCF-style: chr2-160287623-C-G.
Other names: c.1939G>C, p.Glu647Gln (NM_001289975.1); c.1756G>C, p.Glu586Gln (NM_001329857.2); c.1945G>C, p.Glu649Gln (NM_001329858.2); short protein forms E586Q, E647Q, E649Q.
Identifiers: ClinVar variation 5017339 (VCV005017339.1).

ClinVar aggregate classification (germline): Uncertain significance (1 of 4 stars; one submission).

gnomAD v4.1: 1 of 1,612,682 alleles (0.000062%); no homozygotes.

Submission:

GeneDx
Classification: Uncertain significance. Last evaluated: 2026-03-24. Review status: criteria provided, single submitter. Criteria: GeneDx Variant Classification Process June 2021. Collection method: clinical testing. Allele origin: germline.
Comment: Has not been previously published as pathogenic or benign to our knowledge; Not observed at significant frequency in large population cohorts (gnomAD); In silico analysis suggests that this missense variant does not alter protein structure/function